The following is an entry in ClinVar:

ClinVar aggregate classification (germline): Uncertain significance. Review status: criteria provided, multiple submitters, no conflicts (2 of 4 stars). 2 submissions from 2 submitters: Uncertain significance (2). Last evaluated 2024-05-15.

Conditions:
Vitamin D hydroxylation-deficient rickets, type 1B. Also called: Rickets due to Defect in Vitamin D 25-hydroxylation; PSEUDOVITAMIN D3 DEFICIENCY RICKETS DUE TO 25-HYDROXYLASE DEFICIENCY; VITAMIN D-DEPENDENT RICKETS, TYPE 1B. Identifiers: Orphanet 289157, MedGen C1838657, MONDO:0010810, OMIM 600081.

Allele frequency attached by ClinVar (database versions not stated): gnomAD 0.00005 and 0.00007; gnomAD exomes 0.00002; ESP Exome Variant Server 0.00008; ExAC 0.00002; TOPMed 0.00005.
gnomAD v4.1: 28 of 1,612,692 alleles (0.0017%); highest among the groups gnomAD compares: African/African-American, 0.028%; no homozygotes.

Submissions (2):

Fulgent Genetics
Classification: Uncertain significance for Vitamin D hydroxylation-deficient rickets, type 1B. Last evaluated: 2024-05-15. Review status: criteria provided, single submitter. Criteria: ACMG Guidelines, 2015. Collection method: clinical testing. Allele origin: germline.

Labcorp Genetics (formerly Invitae), Labcorp
Classification: Uncertain significance. Last evaluated: 2023-08-17. Review status: criteria provided, single submitter. Criteria: Invitae Variant Classification Sherloc (09022015). Collection method: clinical testing. Allele origin: germline.
Comment: In summary, the available evidence is currently insufficient to determine the role of this variant in disease. Therefore, it has been classified as a Variant of Uncertain Significance. An algorithm developed to predict the effect of missense changes on protein structure and function (PolyPhen-2) suggests that this variant¬†is likely to be tolerated. ClinVar contains an entry for this variant (Variation ID: 1000400). This variant has not been reported in the literature in individuals affected with CYP2R1-related conditions. This variant is present in population databases (rs375085420, gnomAD 0.02%). This sequence change replaces methionine, which is neutral and non-polar, with valine, which is neutral and non-polar, at codon 118 of the CYP2R1 protein (p.Met118Val).

NM_024514.5(CYP2R1):c.352A>G (p.Met118Val)

Genes: CYP2R1 (cytochrome P450 family 2 subfamily R member 1; minus strand), PDE3B (phosphodiesterase 3B; plus strand). Cytogenetic location: 11p15.2.
Variant type: single nucleotide variant.
Coding change: c.352A>G on transcript NM_024514.5 (MANE Select); coding-DNA position 352, A replaced by G.
Protein change: p.Met118Val; replaces methionine 118 with valine.
Molecular consequence: missense variant.
Genome position (GRCh38, 1-based): chr11:14,885,791, T>C on the plus strand (A>G on the coding strand, the complement: CYP2R1 is on the minus strand). VCF-style: chr11-14885791-T-C. GRCh37 (hg19) VCF-style: chr11-14907337-T-C.
Other names: c.7A>G, p.Met3Val (NM_001377214.1, NM_001377215.1, NM_001377216.1 and 1 more transcripts); c.190A>G, p.Met64Val (NM_001377217.1); short protein forms M118V, M3V, M64V.
Identifiers: ClinVar variation 1000400 (VCV001000400.9), dbSNP rs375085420, ClinGen allele CA5896716.
Genomic context (GRCh38, chr11:14,885,791, plus strand): 5'-TTAAAATATCTTAGTAAATCACTAAATAGGTGCAAATAAACATACCTCCCATTTTTGTCA[T>C]CTTCATGAATAAAGGAAGGCATGGTCTGTCTGCAAAAATTTCGCTTTGATGAACAAGGCA-3'
Protein context (NP_078790.2, residues 108-128): DRPCLPLFMK[Met118Val]TKMGGLLNSR